The following is an entry in ClinVar:

ClinVar aggregate classification (germline): Uncertain significance (1 of 4 stars; one submission).

Conditions:
Multiple acyl-CoA dehydrogenase deficiency (MADD). Also called: ETHYLMALONIC-ADIPICACIDURIA; GA II; Glutaric aciduria, type 2; Glutaric acidemia type II; GA 2; Glutaric Acidemia type 2. Identifiers: Orphanet 26791, MedGen C0268596, MONDO:0009282, OMIM 231680.

Submission:

Labcorp Genetics (formerly Invitae), Labcorp
Classification: Uncertain significance for Multiple acyl-CoA dehydrogenase deficiency. Last evaluated: 2022-09-01. Review status: criteria provided, single submitter. Criteria: Invitae Variant Classification Sherloc (09022015). Collection method: clinical testing. Allele origin: germline.
Comment: This variant has not been reported in the literature in individuals affected with ETFDH-related conditions. Advanced modeling of protein sequence and biophysical properties (such as structural, functional, and spatial information, amino acid conservation, physicochemical variation, residue mobility, and thermodynamic stability) performed at Invitae indicates that this missense variant is not expected to disrupt ETFDH protein function. This sequence change replaces serine, which is neutral and polar, with asparagine, which is neutral and polar, at codon 543 of the ETFDH protein (p.Ser543Asn). This variant is not present in population databases (gnomAD no frequency). In summary, the available evidence is currently insufficient to determine the role of this variant in disease. Therefore, it has been classified as a Variant of Uncertain Significance.

NM_004453.4(ETFDH):c.1628G>A (p.Ser543Asn)

Gene: ETFDH (electron transfer flavoprotein dehydrogenase; plus strand). Cytogenetic location: 4q32.1.
Variant type: single nucleotide variant.
Coding change: c.1628G>A on transcript NM_004453.4 (MANE Select); coding-DNA position 1628, G replaced by A.
Protein change: p.Ser543Asn; replaces serine 543 with asparagine.
Molecular consequence: missense variant.
Genome position (GRCh38, 1-based): chr4:158,706,788, G>A. VCF-style: chr4-158706788-G-A. GRCh37 (hg19) VCF-style: chr4-159627940-G-A.
Other names: c.1487G>A, p.Ser496Asn (NM_001281737.2); c.1445G>A, p.Ser482Asn (NM_001281738.1); short protein forms S496N, S543N, S482N.
Identifiers: ClinVar variation 1969565 (VCV001969565.5), dbSNP rs2476735868, ClinGen allele CA358565020.